The following is an entry in ClinVar:

ClinVar aggregate classification (germline): Pathogenic. Review status: criteria provided, multiple submitters, no conflicts (2 of 4 stars). 4 submissions from 4 submitters: Pathogenic (2). 2 of the submissions do not count toward it. Last evaluated 2025-11-10.

Conditions:
Autosomal dominant Parkinson disease 8. Also called: LRRK2-Related Parkinson Disease; Parkinson disease 8; Parkinson disease 8, susceptibility to. Identifiers: Orphanet 411602, MedGen C1846862, MONDO:0011764, OMIM 607060.

Submissions (4):

Variantyx, Inc.
Classification: Pathogenic for Autosomal dominant Parkinson disease 8. Last evaluated: 2025-11-10. Review status: criteria provided, single submitter. Criteria: Variantyx Assertion Criteria 2022. Collection method: clinical testing. Allele origin: germline. Inheritance: Autosomal dominant inheritance. Affected: yes.
Comment: This is a nonsynonymous variant in the LRRK2 gene (OMIM: 609007). Pathogenic variants in this gene have been associated with autosomal dominant susceptibility to Parkinson disease 8. This variant has been reported in many unrelated affected individuals (PMID: 15880653, 15541309) (PS4_Moderate). Functional studies have shown that this variant alters LRRK2 protein function (PMID: 16321986, 24695735, 16750377, 19302196, 19397894) (PS3) and multiple computational algorithms predict a deleterious effect for this variant (REVEL score: 0.957) (PP3). Moreover, the variant lies within a known hotspot for pathogenic variants or a well-established critical functional domain of the LRRK2 protein (PMID: 22415848) (PM1). It is absent from control populations (PM2). Based on the current evidence, this variant is classified as pathogenic for autosomal dominant susceptibility to Parkinson disease 8.

CeGaT Center for Human Genetics Tuebingen
Classification: Pathogenic. Last evaluated: 2020-12-01. Review status: criteria provided, single submitter. Criteria: CeGaT Center For Human Genetics Tuebingen Variant Classification Criteria Version 2. Collection method: clinical testing. Allele origin: germline. Affected: yes. Observed: 2 variant alleles.

OMIM
Classification: Pathogenic for PARKINSON DISEASE 8, AUTOSOMAL DOMINANT. Last evaluated: 2014-05-09. Review status: no assertion criteria provided. Collection method: literature only. Allele origin: germline. Not counted in ClinVar's aggregate classification.

GeneReviews
No classification provided. Condition: Autosomal dominant Parkinson disease 8. Review status: no classification provided. Collection method: literature only. Allele origin: unknown. Not counted in ClinVar's aggregate classification.

Literature cited by the submitters: PubMed 22415848 (cited by Variantyx, Inc.); PubMed 15880653 (cited by Variantyx, Inc. and OMIM); PubMed 15541309 (cited by 3 submitters); PubMed 16321986 (cited by Variantyx, Inc. and OMIM); PubMed 24695735 (cited by Variantyx, Inc. and OMIM); PubMed 16750377 (cited by Variantyx, Inc.); PubMed 19302196 (cited by Variantyx, Inc.); PubMed 19397894 (cited by Variantyx, Inc.); PubMed 9276200 (cited by OMIM); PubMed 20301387 (cited by GeneReviews); NCBI Bookshelf NBK1208 (cited by GeneReviews).

NM_198578.4(LRRK2):c.6059T>C (p.Ile2020Thr)

Gene: LRRK2 (leucine rich repeat kinase 2; plus strand). Cytogenetic location: 12q12.
Variant type: single nucleotide variant.
Coding change: c.6059T>C on transcript NM_198578.4 (MANE Select); coding-DNA position 6059, T replaced by C.
Protein change: p.Ile2020Thr; replaces isoleucine 2020 with threonine.
Molecular consequence: missense variant.
Genome position (GRCh38, 1-based): chr12:40,340,404, T>C. VCF-style: chr12-40340404-T-C. GRCh37 (hg19) VCF-style: chr12-40734206-T-C.
Other names: short protein forms I2020T.
Identifiers: ClinVar variation 1941 (VCV000001941.39), dbSNP rs35870237, ClinGen allele CA339928.